The following is an entry in ClinVar:

NM_138423.4(GOLM2):c.1038G>T (p.Lys346Asn)

Gene: GOLM2 (golgi membrane protein 2; plus strand). Cytogenetic location: 15q15.3.
Variant type: single nucleotide variant.
Coding change: c.1038G>T on transcript NM_138423.4 (MANE Select); coding-DNA position 1038, G replaced by T.
Protein change: p.Lys346Asn; replaces lysine 346 with asparagine.
Molecular consequence: missense variant. On other transcripts: non-coding transcript variant (1).
Genome position (GRCh38, 1-based): chr15:44,380,942, G>T. VCF-style: chr15-44380942-G-T. GRCh37 (hg19) VCF-style: chr15-44673140-G-T.
Other names: c.1038G>T, p.Lys346Asn (NM_177974.3); short protein forms K346N.
Identifiers: ClinVar variation 2465682 (VCV002465682.26), dbSNP rs140734894, ClinGen allele CA7533068.

ClinVar aggregate classification (germline): Conflicting classifications of pathogenicity. Review status: criteria provided, conflicting classifications (1 of 4 stars). 2 submissions from 2 submitters: Uncertain significance (1); Likely benign (1). Last evaluated 2023-02-10.

Allele frequency attached by ClinVar (database versions not stated): 1000 Genomes Project 30x 0.00094; 1000 Genomes Project 0.00120; TOPMed 0.00301; gnomAD 0.00318; ExAC 0.00356; ESP Exome Variant Server 0.00454.
gnomAD v4.1: 7,120 of 1,584,958 alleles (0.45%); highest among the groups gnomAD compares: Non-Finnish European, 0.57%; 27 homozygotes.

Submissions (2):

Ambry Genetics
Classification: Uncertain significance. Last evaluated: 2023-02-10. Review status: criteria provided, single submitter. Criteria: Ambry Variant Classification Scheme 2023. Collection method: clinical testing. Allele origin: germline.

CeGaT Center for Human Genetics Tuebingen
Classification: Likely benign. Last evaluated: 2023-01-01. Review status: criteria provided, single submitter. Criteria: CeGaT Center For Human Genetics Tuebingen Variant Classification Criteria Version 2. Collection method: clinical testing. Allele origin: germline. Affected: yes. Observed: 1 variant allele.
Comment: GOLM2: BP4, BS2